The following is an entry in ClinVar:

NM_201525.4(ADGRG1):c.308T>C (p.Leu103Pro)

Gene: ADGRG1 (adhesion G protein-coupled receptor G1; plus strand). Cytogenetic location: 16q21.
Variant type: single nucleotide variant.
Coding change: c.308T>C on transcript NM_201525.4 (MANE Select); coding-DNA position 308, T replaced by C.
Protein change: p.Leu103Pro; replaces leucine 103 with proline.
Molecular consequence: missense variant. On other transcripts: 5 prime UTR variant (5), intron variant (1).
Genome position (GRCh38, 1-based): chr16:57,651,443, T>C. VCF-style: chr16-57651443-T-C. GRCh37 (hg19) VCF-style: chr16-57685355-T-C.
Other names: c.308T>C, p.Leu103Pro (NM_001145770.3, NM_001145771.3, NM_001145772.3 and 16 more transcripts); c.323T>C, p.Leu108Pro (NM_001145773.3, NM_001370433.1); c.-218T>C (NM_001290143.2, NM_001290144.2, NM_001370451.1 and 2 more transcripts); c.152T>C, p.Leu51Pro (NM_001370442.1); c.110+198T>C (NM_001290142.2); short protein forms L103P, L108P, L51P.
Identifiers: ClinVar variation 2572480 (VCV002572480.1), dbSNP rs2044069475, ClinGen allele CA396043108.

ClinVar aggregate classification (germline): Uncertain significance (1 of 4 stars; one submission).

Conditions:
Bilateral frontoparietal polymicrogyria. Also called: CORTICAL DYSPLASIA, COMPLEX, WITH OTHER BRAIN MALFORMATIONS 14A (BILATERAL FRONTOPARIETAL); CEREBELLAR ATAXIA WITH NEURONAL MIGRATION DEFECT. Identifiers: Orphanet 101070, MedGen C1847352, MONDO:0011738, OMIM 606854.

Allele frequency attached by ClinVar (database versions not stated): gnomAD 0.00001.
gnomAD v4.1: 1 of 1,614,124 alleles (0.000062%); highest among the groups gnomAD compares: African/African-American, 0.0013%; no homozygotes.

Submission:

3billion
Classification: Uncertain significance for Bilateral frontoparietal polymicrogyria. Review status: criteria provided, single submitter. Criteria: ACMG Guidelines, 2015. Collection method: clinical testing. Allele origin: unknown. Affected: yes. Observed: 2 variant alleles, 2 homozygotes. Clinical features observed: Strabismus (HP:0000486), Nystagmus (HP:0000639), Cerebellar ataxia (HP:0001251), Absent speech (HP:0001344), Lissencephaly (HP:0001339), Cerebral dysmyelination (HP:0007266), Short stature (HP:0004322), Microcephaly (HP:0000252), Global developmental delay (HP:0001263), Seizure (HP:0001250).
Comment: The variant is not observed in the gnomAD v2.1.1 dataset. Therefore, this variant is classified as Uncertain significance according to the recommendation of ACMG/AMP guideline.